The following is an entry in ClinVar:

ClinVar aggregate classification (germline): Uncertain significance (1 of 4 stars; one submission).

Conditions:
Inborn genetic diseases. Identifiers: MedGen C0950123, MeSH D030342.

Allele frequency attached by ClinVar (database versions not stated): TOPMed below 0.00001.

Submission:

Ambry Genetics
Classification: Uncertain significance for Inborn genetic diseases. Last evaluated: 2023-11-30. Review status: criteria provided, single submitter. Criteria: Ambry Variant Classification Scheme 2023. Collection method: clinical testing. Allele origin: germline.
Comment: The p.H224Y variant (also known as c.670C>T), located in coding exon 6 of the LRRK2 gene, results from a C to T substitution at nucleotide position 670. The histidine at codon 224 is replaced by tyrosine, an amino acid with similar properties. This amino acid position is conserved. In addition, this alteration is predicted to be tolerated by in silico analysis. Since supporting evidence is limited at this time, the clinical significance of this alteration remains unclear.

NM_198578.4(LRRK2):c.670C>T (p.His224Tyr)

Gene: LRRK2 (leucine rich repeat kinase 2; plus strand). Cytogenetic location: 12q12.
Variant type: single nucleotide variant.
Coding change: c.670C>T on transcript NM_198578.4 (MANE Select); coding-DNA position 670, C replaced by T.
Protein change: p.His224Tyr; replaces histidine 224 with tyrosine.
Molecular consequence: missense variant.
Genome position (GRCh38, 1-based): chr12:40,240,581, C>T. VCF-style: chr12-40240581-C-T. GRCh37 (hg19) VCF-style: chr12-40634383-C-T.
Other names: short protein forms H224Y.
Identifiers: ClinVar variation 1755036 (VCV001755036.2), dbSNP rs1454381314, ClinGen allele CA384404874.